The following is an entry in ClinVar:

NM_015272.5(RPGRIP1L):c.2875-2A>G

Gene: RPGRIP1L (RPGRIP1 like; minus strand). Cytogenetic location: 16q12.2.
Variant type: single nucleotide variant.
Coding change: c.2875-2A>G on transcript NM_015272.5 (MANE Select); the canonical splice acceptor site of the intron before coding-DNA position 2875, A replaced by G.
Molecular consequence: splice acceptor variant.
Genome position (GRCh38, 1-based): chr16:53,641,118, T>C on the plus strand (A>G on the coding strand, the complement: RPGRIP1L is on the minus strand). VCF-style: chr16-53641118-T-C. GRCh37 (hg19) VCF-style: chr16-53675030-T-C.
Other names: c.2875-2A>G (NM_001127897.4, NM_001330538.2, NM_001308334.3).
Identifiers: ClinVar variation 2953279 (VCV002953279.3), dbSNP rs2544040196, ClinGen allele CA395927100.
Genomic context (GRCh38, chr16:53,641,118, plus strand): 5'-ACGAAAGATACCTTCTTATCTACAGGTGTTAAACGTTGTCTTGGTTTAGGTCTTGGTGCC[T>C]AAGACAAACCAACCAATGTGTCAGACTGAGTATGATGACCATTAGATTTCAGATAAGACT-3'

ClinVar aggregate classification (germline): Likely pathogenic (1 of 4 stars; one submission).

Conditions:
Joubert syndrome. Also called: CEREBELLOPARENCHYMAL DISORDER IV; JOUBERT-BOLTSHAUSER SYNDROME; Familial aplasia of the vermis. Identifiers: Orphanet 475, MedGen C5979921, MONDO:0018772.
Meckel-Gruber syndrome. Also called: DYSENCEPHALIA SPLANCHNOCYSTICA; GRUBER SYNDROME; Dysencephalia splachnocystica. Identifiers: Orphanet 564, MedGen C0265215, MONDO:0018921.

Submission:

Labcorp Genetics (formerly Invitae), Labcorp
Classification: Likely pathogenic for Joubert syndrome; Meckel-Gruber syndrome. Last evaluated: 2023-10-25. Review status: criteria provided, single submitter. Criteria: Invitae Variant Classification Sherloc (09022015). Collection method: clinical testing. Allele origin: germline.
Comment: This sequence change affects an acceptor splice site in intron 18 of the RPGRIP1L gene. It is expected to disrupt RNA splicing. Variants that disrupt the donor or acceptor splice site typically lead to a loss of protein function (PMID: 16199547), and loss-of-function variants in RPGRIP1L are known to be pathogenic (PMID: 17558409). This variant is not present in population databases (gnomAD no frequency). This variant has not been reported in the literature in individuals affected with RPGRIP1L-related conditions. Algorithms developed to predict the effect of sequence changes on RNA splicing suggest that this variant may disrupt the consensus splice site. In summary, the currently available evidence indicates that the variant is pathogenic, but additional data are needed to prove that conclusively. Therefore, this variant has been classified as Likely Pathogenic.

Literature cited by the submitters: PubMed 16199547; PubMed 17558409.